The following is an entry in ClinVar:

ClinVar aggregate classification (germline): Uncertain significance (1 of 4 stars; one submission).

Conditions:
Dilated cardiomyopathy 1W (CMD1W). Identifiers: Orphanet 154, MedGen C1969639, MONDO:0012667, OMIM 611407.

Allele frequency attached by ClinVar (database versions not stated): TOPMed below 0.00001.
gnomAD v4.1: 7 of 1,613,986 alleles (0.00043%); highest among the groups gnomAD compares: East Asian, 0.0067%; no homozygotes.

Submission:

Labcorp Genetics (formerly Invitae), Labcorp
Classification: Uncertain significance for Dilated cardiomyopathy 1W. Last evaluated: 2022-08-15. Review status: criteria provided, single submitter. Criteria: Invitae Variant Classification Sherloc (09022015). Collection method: clinical testing. Allele origin: germline.
Comment: This sequence change replaces aspartic acid, which is acidic and polar, with asparagine, which is neutral and polar, at codon 389 of the VCL protein (p.Asp389Asn). This variant is present in population databases (rs776129187, gnomAD 0.006%). This variant has not been reported in the literature in individuals affected with VCL-related conditions. ClinVar contains an entry for this variant (Variation ID: 1401193). Algorithms developed to predict the effect of missense changes on protein structure and function are either unavailable or do not agree on the potential impact of this missense change (SIFT: "Not Available"; PolyPhen-2: "Probably Damaging"; Align-GVGD: "Not Available"). In summary, the available evidence is currently insufficient to determine the role of this variant in disease. Therefore, it has been classified as a Variant of Uncertain Significance.

NM_014000.3(VCL):c.1165G>A (p.Asp389Asn)

Gene: VCL (vinculin; plus strand). Cytogenetic location: 10q22.2.
Variant type: single nucleotide variant.
Coding change: c.1165G>A on transcript NM_014000.3 (MANE Select); coding-DNA position 1165, G replaced by A.
Protein change: p.Asp389Asn; replaces aspartic acid 389 with asparagine.
Molecular consequence: missense variant.
Genome position (GRCh38, 1-based): chr10:74,089,338, G>A. VCF-style: chr10-74089338-G-A. GRCh37 (hg19) VCF-style: chr10-75849096-G-A.
Other names: c.1165G>A, p.Asp389Asn (NM_003373.4); short protein forms D389N.
Identifiers: ClinVar variation 1401193 (VCV001401193.6), dbSNP rs776129187, ClinGen allele CA209700385.